The following is an entry in ClinVar:

ClinVar aggregate classification (germline): Pathogenic/Likely pathogenic. Review status: criteria provided, multiple submitters, no conflicts (2 of 4 stars). 5 submissions from 5 submitters: Pathogenic (2); Likely pathogenic (2). 1 of the submissions does not count toward it. Last evaluated 2023-11-29.

Conditions:
Spastic paraplegia. Identifiers: MedGen C0037772, HP:0001258.
Charlevoix-Saguenay spastic ataxia (SACS). Also called: Spastic ataxia of Charlevoix-Saguenay; SPASTIC ATAXIA 6, AUTOSOMAL RECESSIVE; AUTOSOMAL RECESSIVE SPASTIC ATAXIA OF CHARLEVOIX-SAGUENAY. Identifiers: Orphanet 98, MedGen C1849140, MONDO:0010041, OMIM 270550.

Submissions (5):

Labcorp Genetics (formerly Invitae), Labcorp
Classification: Pathogenic for Spastic paraplegia. Last evaluated: 2023-11-29. Review status: criteria provided, single submitter. Criteria: Invitae Variant Classification Sherloc (09022015). Collection method: clinical testing. Allele origin: germline.
Comment: This sequence change creates a premature translational stop signal (p.Ser1689Cysfs*12) in the SACS gene. While this is not anticipated to result in nonsense mediated decay, it is expected to disrupt the last 2891 amino acid(s) of the SACS protein. This variant is present in population databases (no rsID available, gnomAD 0.0009%). This variant has not been reported in the literature in individuals affected with SACS-related conditions. This variant disrupts a region of the SACS protein in which other variant(s) (p.Arg3903*) have been determined to be pathogenic (PMID: 19892370, 21745802). This suggests that this is a clinically significant region of the protein, and that variants that disrupt it are likely to be disease-causing. For these reasons, this variant has been classified as Pathogenic.

Baylor Genetics
Classification: Likely pathogenic for Charlevoix-Saguenay spastic ataxia. Last evaluated: 2022-07-17. Review status: criteria provided, single submitter. Criteria: ACMG Guidelines, 2015. Collection method: clinical testing. Allele origin: unknown.

Genome-Nilou Lab
Classification: Likely pathogenic for Charlevoix-Saguenay spastic ataxia. Last evaluated: 2021-09-05. Review status: criteria provided, single submitter. Criteria: ACMG Guidelines, 2015. Collection method: clinical testing. Allele origin: germline. Affected: no.

Eurofins Ntd Llc (ga)
Classification: Pathogenic. Last evaluated: 2018-05-01. Review status: criteria provided, single submitter. Criteria: EGL ClinVar v180209 classification definitions. Collection method: clinical testing. Allele origin: germline. Observed: 3 variant alleles, 3 heterozygotes.

Counsyl
Classification: Likely pathogenic for Charlevoix-Saguenay spastic ataxia. Last evaluated: 2017-07-25. Review status: no assertion criteria provided. Collection method: clinical testing. Allele origin: unknown. Not counted in ClinVar's aggregate classification.

Literature cited by the submitters: PubMed 19892370 (cited by Labcorp Genetics (formerly Invitae), Labcorp); PubMed 21745802 (cited by Labcorp Genetics (formerly Invitae), Labcorp).

NM_014363.6(SACS):c.5065_5066del (p.Ser1689fs)

Gene: SACS (sacsin molecular chaperone; minus strand). Cytogenetic location: 13q12.12.
Variant type: Microsatellite.
Coding change: c.5065_5066del on transcript NM_014363.6 (MANE Select); coding-DNA positions 5065 to 5066, 2 bases deleted (AG; older notation c.5065_5066delAG).
Protein change: p.Ser1689fs; shifts the reading frame from serine 1689.
Molecular consequence: frameshift variant.
Genome position (GRCh38, 1-based): chr13:23,338,810-23,338,811, CT deleted on the plus strand (AG on the coding strand, the reverse complement: SACS is on the minus strand); deleting any 2 consecutive bases within chr13:23,338,810-23,338,813 gives the same sequence; the c. name uses the placement nearest the transcript's 3' end. VCF-style (leftmost placement, unchanged base first): chr13-23338809-ACT-A. GRCh37 (hg19) VCF-style: chr13-23912948-ACT-A.
Other names: c.4624_4625del, p.Ser1542fs (NM_001278055.2); short protein forms S1542fs, S1689fs.
Identifiers: ClinVar variation 496950 (VCV000496950.16), dbSNP rs1372213267, ClinGen allele CA608985270.